The following is an entry in ClinVar:

NM_016507.4(CDK12):c.2351G>C (p.Arg784Pro)

Gene: CDK12 (cyclin dependent kinase 12; plus strand). Cytogenetic location: 17q12.
Variant type: single nucleotide variant.
Coding change: c.2351G>C on transcript NM_016507.4 (MANE Select); coding-DNA position 2351, G replaced by C.
Protein change: p.Arg784Pro; replaces arginine 784 with proline.
Molecular consequence: missense variant.
Genome position (GRCh38, 1-based): chr17:39,494,626, G>C. VCF-style: chr17-39494626-G-C. GRCh37 (hg19) VCF-style: chr17-37650879-G-C.
Other names: c.2351G>C, p.Arg784Pro (NM_015083.4); short protein forms R784P.
Identifiers: ClinVar variation 4224367 (VCV004224367.1).

ClinVar aggregate classification (germline): Uncertain significance (1 of 4 stars; one submission).

gnomAD v4.1: 1 of 1,609,482 alleles (0.000062%); highest among the groups gnomAD compares: Non-Finnish European, 0.000085%; no homozygotes.

Submission:

Ambry Genetics
Classification: Uncertain significance. Last evaluated: 2025-08-10. Review status: criteria provided, single submitter. Criteria: Ambry Variant Classification Scheme 2023. Collection method: clinical testing. Allele origin: germline.
Comment: The p.R784P variant (also known as c.2351G>C), located in coding exon 5 of the CDK12 gene, results from a G to C substitution at nucleotide position 2351. The arginine at codon 784 is replaced by proline, an amino acid with dissimilar properties. This amino acid position is conserved. In addition, this alteration is predicted to be tolerated by in silico analysis. Based on the available evidence, the clinical significance of this variant remains unclear.